The following is an entry in ClinVar:

ClinVar aggregate classification (germline): Pathogenic (1 of 4 stars; one submission).

Conditions:
Angelman syndrome (AS). Also called: HAPPY PUPPET SYNDROME. Identifiers: Orphanet 72, MedGen C0162635, MONDO:0007113, OMIM 105830. Disease mechanism: loss of function. Inheritance: imprinting disorder, AS is caused by disruption of maternally imprinted UBE3A located within the 15q11.2-q13 Angelman syndrome/Prader-Willi syndrome (AS/PWS) region..

Submission:

Labcorp Genetics (formerly Invitae), Labcorp
Classification: Pathogenic for Angelman syndrome. Last evaluated: 2019-01-04. Review status: criteria provided, single submitter. Criteria: Invitae Variant Classification Sherloc (09022015). Collection method: clinical testing. Allele origin: germline.
Comment: For these reasons, this variant has been classified as Pathogenic. Loss-of-function variants in UBE3A are known to be pathogenic (PMID: 25212744). This variant has not been reported in the literature in individuals with UBE3A-related conditions. This variant is not present in population databases (ExAC no frequency). This sequence change creates a premature translational stop signal (p.Ser773Leufs*24) in the UBE3A gene. It is expected to result in an absent or disrupted protein product.

Literature cited by the submitters: PubMed 25212744.

NM_130839.5(UBE3A):c.2378_2381del (p.Ser793fs)

Genes: SNHG14 (small nucleolar RNA host gene 14; plus strand), UBE3A (ubiquitin protein ligase E3A; minus strand). Cytogenetic location: 15q11.2.
Variant type: Microsatellite.
Coding change: c.2378_2381del on transcript NM_130839.5 (MANE Select); coding-DNA positions 2378 to 2381, 4 bases deleted (CATT; older notation c.2378_2381delCATT).
Protein change: p.Ser793fs; shifts the reading frame from serine 793.
Molecular consequence: frameshift variant. On other transcripts: non-coding transcript variant (1).
Genome position (GRCh38, 1-based): chr15:25,340,202-25,340,205, AATG deleted on the plus strand (CATT on the coding strand, the reverse complement: UBE3A is on the minus strand); deleting any 4 consecutive bases within chr15:25,340,202-25,340,211 gives the same sequence; the c. name uses the placement nearest the transcript's 3' end. VCF-style (leftmost placement, unchanged base first): chr15-25340201-AAATG-A. GRCh37 (hg19) VCF-style: chr15-25585348-AAATG-A.
Other names: c.2387_2390del, p.Ser796fs (NM_000462.5); c.2378_2381del, p.Ser793fs (NM_001354505.1, NM_001354538.2); c.2318_2321del, p.Ser773fs (NM_001354506.2, NM_001354507.2, NM_001354508.2 and 14 more transcripts); c.2222_2225del, p.Ser741fs (NM_001354545.2); c.2201_2204del, p.Ser734fs (NM_001354546.2); c.2162_2165del, p.Ser721fs (NM_001354547.2, NM_001354548.2); c.2153_2156del, p.Ser718fs (NM_001354549.2); c.1127_1130del, p.Ser376fs (NM_001354550.2); and 1 more; short protein forms S376fs, S721fs, S734fs, S773fs, S796fs, S356fs, S718fs, S741fs.
Identifiers: ClinVar variation 845525 (VCV000845525.7), dbSNP rs2074508602, ClinGen allele CA916080554.